The following is an entry in ClinVar:

NM_000202.8(IDS):c.1104_1122del (p.Ser369fs)

Genes: IDS (iduronate 2-sulfatase; minus strand), LOC106050102 (IDS recombination region; plus strand). Cytogenetic location: Xq28.
Variant type: Deletion.
Coding change: c.1104_1122del on transcript NM_000202.8 (MANE Select); coding-DNA positions 1104 to 1122, 19 bases deleted (TTCACTTCCGGAGGCAGGC).
Protein change: p.Ser369fs; shifts the reading frame from serine 369.
Molecular consequence: frameshift variant.
Genome position (GRCh38, 1-based): chrX:149,486,983-149,487,001, GCCTGCCTCCGGAAGTGAA deleted on the plus strand (TTCACTTCCGGAGGCAGGC on the coding strand, the reverse complement: IDS is on the minus strand); deleting any 19 consecutive bases within chrX:149,486,983-149,487,004 gives the same sequence; the c. name uses the placement nearest the transcript's 3' end. VCF-style (leftmost placement, unchanged base first): chrX-149486982-CGCCTGCCTCCGGAAGTGAA-C. GRCh37 (hg19) VCF-style: chrX-148568513-CGCCTGCCTCCGGAAGTGAA-C.
Other names: c.834_852del, p.Ser279fs (NM_001166550.4); short protein forms S279fs, S369fs.
Identifiers: ClinVar variation 3255966 (VCV003255966.2).
Genomic context (GRCh38, chrX:149,486,982, plus strand): 5'-TACCTGGCTCCATCAACTGTGAGGCGGAATCAAAAGGGTCGAGGTAAGGGAAAAGCTTCT[CGCCTGCCTCCGGAAGTGAA>C]GCCGTCCTTCCAGGAACATAGAATATCAGGGGAACATGGGTAGCAACATCAAAATTGCTG-3'

ClinVar aggregate classification (germline): Pathogenic (1 of 4 stars; one submission).

Conditions:
Mucopolysaccharidosis, MPS-II (MPS2). Also called: Hunter Syndrome; IDURONATE 2-SULFATASE DEFICIENCY; Mucopolysaccharidosis Type II; Mucopolysaccharidosis type 2; Attenuated MPS (subtype; formerly known as mild MPS II); Severe MPS II. Identifiers: Orphanet 580, Orphanet 79388, MedGen C0026705, MONDO:0010674, OMIM 309900.

Submission:

Laboratory of Diagnosis and Therapy of Lysosomal Disorders, University of Padova
Classification: Pathogenic for Mucopolysaccharidosis, MPS-II. Last evaluated: 2024-06-07. Review status: criteria provided, single submitter. Criteria: ACMG Guidelines, 2015. Collection method: literature only. Allele origin: germline. Affected: yes. Observed: 1 variant allele.
Comment: Null variant (PVS1_Strong), Absent from controls (or at low frequency) in gnomAD database (PM2_Moderate), Patient’s phenotype or family history highly specific for the disease (PP4_Strong)

Classification method: ACMG Guidelines [PMID:25741868] with modifications

Literature cited by the submitters: PubMed 21829674.